The following is an entry in ClinVar:

ClinVar aggregate classification (germline): Uncertain significance (1 of 4 stars; one submission).

Submission:

Mayo Clinic Laboratories, Mayo Clinic
Classification: Uncertain significance. Last evaluated: 2023-03-21. Review status: criteria provided, single submitter. Criteria: ACMG Guidelines, 2015. Collection method: clinical testing. Allele origin: germline. Observed: 1 variant allele.
Comment: PP3, PM2

NM_017780.4(CHD7):c.3299G>C (p.Arg1100Pro)

Gene: CHD7 (chromodomain helicase DNA binding protein 7; plus strand). Cytogenetic location: 8q12.2.
Variant type: single nucleotide variant.
Coding change: c.3299G>C on transcript NM_017780.4 (MANE Select); coding-DNA position 3299, G replaced by C.
Protein change: p.Arg1100Pro; replaces arginine 1100 with proline.
Molecular consequence: missense variant. On other transcripts: intron variant (1).
Genome position (GRCh38, 1-based): chr8:60,823,937, G>C. VCF-style: chr8-60823937-G-C. GRCh37 (hg19) VCF-style: chr8-61736496-G-C.
Other names: p.Arg1100Pro; c.1717-38292G>C (NM_001316690.1); short protein forms R1100P.
Identifiers: ClinVar variation 2683021 (VCV002683021.1), dbSNP rs767259131, ClinGen allele CA371312198.